The following is an entry in ClinVar:

ClinVar aggregate classification (germline): Uncertain significance. Review status: criteria provided, multiple submitters, no conflicts (2 of 4 stars). 2 submissions from 2 submitters: Uncertain significance (2). Last evaluated 2025-06-17.

Submissions (2):

Labcorp Genetics (formerly Invitae), Labcorp
Classification: Uncertain significance. Last evaluated: 2025-06-17. Review status: criteria provided, single submitter. Criteria: Invitae Variant Classification Sherloc (09022015). Collection method: clinical testing. Allele origin: germline.
Comment: This sequence change replaces alanine, which is neutral and non-polar, with aspartic acid, which is acidic and polar, at codon 217 of the HNF1A protein (p.Ala217Asp). This variant is not present in population databases (gnomAD no frequency). This missense change has been observed in individual(s) with clinical features of maturity onset diabetes of the young type 3 (internal data). ClinVar contains an entry for this variant (Variation ID: 3384701). Invitae Evidence Modeling of protein sequence and biophysical properties (such as structural, functional, and spatial information, amino acid conservation, physicochemical variation, residue mobility, and thermodynamic stability) has been performed for this missense variant. However, the output from this modeling did not meet the statistical confidence thresholds required to predict the impact of this variant on HNF1A protein function. In summary, the available evidence is currently insufficient to determine the role of this variant in disease. Therefore, it has been classified as a Variant of Uncertain Significance.

Women's Health and Genetics/Laboratory Corporation of America, LabCorp
Classification: Uncertain significance. Last evaluated: 2024-10-14. Review status: criteria provided, single submitter. Criteria: LabCorp Variant Classification Summary - May 2015. Collection method: clinical testing. Allele origin: germline.
Comment: Variant summary: HNF1A c.650C>A (p.Ala217Asp) results in a non-conservative amino acid change located in the Homeodomain region of the encoded protein sequence. Five of five in-silico tools predict a damaging effect of the variant on protein function. The variant was absent in 251236 control chromosomes. The available data on variant occurrences in the general population are insufficient to allow any conclusion about variant significance. To our knowledge, no occurrence of c.650C>A in individuals affected with Maturity Onset Diabetes Of The Young 3 and no experimental evidence demonstrating its impact on protein function have been reported. No submitters have cited clinical-significance assessments for this variant to ClinVar. Based on the evidence outlined above, the variant was classified as uncertain significance.

NM_000545.8(HNF1A):c.650C>A (p.Ala217Asp)

Gene: HNF1A (HNF1 homeobox A; plus strand). Cytogenetic location: 12q24.31.
Variant type: single nucleotide variant.
Coding change: c.650C>A on transcript NM_000545.8 (MANE Select); coding-DNA position 650, C replaced by A.
Protein change: p.Ala217Asp; replaces alanine 217 with aspartic acid.
Molecular consequence: missense variant.
Genome position (GRCh38, 1-based): chr12:120,993,643, C>A. VCF-style: chr12-120993643-C-A. GRCh37 (hg19) VCF-style: chr12-121431446-C-A.
Other names: c.650C>A, p.Ala217Asp (NM_001306179.2, NM_001406915.1); short protein forms A217D.
Identifiers: ClinVar variation 3384701 (VCV003384701.2).